The following is an entry in ClinVar:

NM_000432.4(MYL2):c.181G>A (p.Val61Met)

Gene: MYL2 (myosin light chain 2; minus strand). Cytogenetic location: 12q24.11.
Variant type: single nucleotide variant.
Coding change: c.181G>A on transcript NM_000432.4 (MANE Select); coding-DNA position 181, G replaced by A.
Protein change: p.Val61Met; replaces valine 61 with methionine.
Molecular consequence: missense variant.
Genome position (GRCh38, 1-based): chr12:110,914,279, C>T on the plus strand (G>A on the coding strand, the complement: MYL2 is on the minus strand). VCF-style: chr12-110914279-C-T. GRCh37 (hg19) VCF-style: chr12-111352083-C-T.
Other names: p.V61M:GTG>ATG; short protein forms V61M.
Identifiers: ClinVar variation 181431 (VCV000181431.18), dbSNP rs730880949, ClinGen allele CA009922.
Genomic context (GRCh38, chr12:110,914,279, plus strand): 5'-CAGTAAAGTTAATTGGACCCGGAGCCTCCTTGATCATTTCATCAATTTCTTCATTTTTCA[C>T]GTTCACTCGCCCTAGGGTAGGAAACACACACTCAGGGACTCCGAGCTGGGGAGAAAGAAC-3'
Protein context (NP_000423.2, residues 51-71): DTFAALGRVN[Val61Met]KNEEIDEMIK

ClinVar aggregate classification (germline): Uncertain significance. Review status: criteria provided, multiple submitters, no conflicts (2 of 4 stars). 5 submissions from 5 submitters: Uncertain significance (5). Last evaluated 2026-01-26.

Conditions:
Cardiomyopathy (CMYO). Also called: Cardiomyopathies. Identifiers: Orphanet 167848, MedGen C0878544, MONDO:0004994, HP:0001638. Inheritance: Various modes of inheritance.
Hypertrophic cardiomyopathy 10. Also called: MYL2-Related Familial Hypertrophic Cardiomyopathy; CARDIOMYOPATHY, HYPERTROPHIC, MID-LEFT VENTRICULAR CHAMBER TYPE, 2. Identifiers: MedGen C1834460, MONDO:0012112, OMIM 608758.
Hypertrophic cardiomyopathy. Also called: HYPERTROPHIC MYOCARDIOPATHY. Identifiers: Orphanet 217569, MedGen C0007194, MeSH D002312, MONDO:0005045, HP:0001639.
Cardiovascular phenotype. Identifiers: MedGen CN230736.

gnomAD v4.1: 6 of 1,613,794 alleles (0.00037%); highest among the groups gnomAD compares: Non-Finnish European, 0.00042%; no homozygotes.

Submissions (5):

Ambry Genetics
Classification: Uncertain significance for Cardiovascular phenotype. Last evaluated: 2026-01-26. Review status: criteria provided, single submitter. Criteria: Ambry Variant Classification Scheme 2023. Collection method: clinical testing. Allele origin: germline.
Comment: The p.V61M variant (also known as c.181G>A), located in coding exon 4 of the MYL2 gene, results from a G to A substitution at nucleotide position 181. The valine at codon 61 is replaced by methionine, an amino acid with highly similar properties. This amino acid position is highly conserved in available vertebrate species. In addition, the in silico prediction for this alteration is inconclusive. Based on the available evidence, the clinical significance of this variant remains unclear.

Labcorp Genetics (formerly Invitae), Labcorp
Classification: Uncertain significance for Hypertrophic cardiomyopathy 10. Last evaluated: 2024-10-28. Review status: criteria provided, single submitter. Criteria: Invitae Variant Classification Sherloc (09022015). Collection method: clinical testing. Allele origin: germline.
Comment: This sequence change replaces valine, which is neutral and non-polar, with methionine, which is neutral and non-polar, at codon 61 of the MYL2 protein (p.Val61Met). This variant is not present in population databases (gnomAD no frequency). This variant has not been reported in the literature in individuals affected with MYL2-related conditions. ClinVar contains an entry for this variant (Variation ID: 181431). An algorithm developed to predict the effect of missense changes on protein structure and function (PolyPhen-2) suggests that this variant is likely to be disruptive. In summary, the available evidence is currently insufficient to determine the role of this variant in disease. Therefore, it has been classified as a Variant of Uncertain Significance.

All of Us Research Program, National Institutes of Health
Classification: Uncertain significance for Hypertrophic cardiomyopathy. Last evaluated: 2024-05-30. Review status: criteria provided, single submitter. Criteria: ACMG Guidelines, 2015. Collection method: clinical testing. Allele origin: germline. Inheritance: Autosomal dominant inheritance. Observed: 3 variant alleles, 3 heterozygotes.
Comment: This missense variant replaces valine with methionine at codon 61 of the MYL2 protein. Computational prediction is inconclusive regarding the impact of this variant on protein structure and function (internally defined REVEL score threshold 0.5 < inconclusive < 0.7, PMID: 27666373). To our knowledge, functional studies have not been reported for this variant. This variant has not been reported in individuals affected with cardiovascular disorders in the literature. This variant has not been identified in the general population by the Genome Aggregation Database (gnomAD). The available evidence is insufficient to determine the role of this variant in disease conclusively. Therefore, this variant is classified as a Variant of Uncertain Significance.

This study involves interpretation of variants in research participants for the purpose of population health screening. Participant phenotype was not available at the time of variant classification. Additional details can be found in publication PMID: 35346344, PMCID: PMC8962531

Color Diagnostics, LLC DBA Color Health
Classification: Uncertain significance for Cardiomyopathy. Last evaluated: 2024-03-07. Review status: criteria provided, single submitter. Criteria: ACMG Guidelines, 2015. Collection method: clinical testing. Allele origin: germline.
Comment: This missense variant replaces valine with methionine at codon 61 of the MYL2 protein. Computational prediction is inconclusive regarding the impact of this variant on protein structure and function (internally defined REVEL score threshold 0.5 < inconclusive < 0.7, PMID: 27666373). To our knowledge, functional studies have not been reported for this variant. This variant has not been reported in individuals affected with MYL2-related disorders in the literature. This variant has not been identified in the general population by the Genome Aggregation Database (gnomAD). The available evidence is insufficient to determine the role of this variant in disease conclusively. Therefore, this variant is classified as a Variant of Uncertain Significance.

GeneDx
Classification: Uncertain significance. Last evaluated: 2017-06-23. Review status: criteria provided, single submitter. Criteria: GeneDx Variant Classification (06012015). Collection method: clinical testing. Allele origin: germline. Affected: yes.
Comment: p.Val61Met (GTG>ATG): c.181 G>A in exon 4 of the MYL2 gene (NM_000432.3)The Val61Met variant in the MYL2 gene has not been reported as a disease-causing mutation or as a benign polymorphism to our knowledge. Val61Met results in a conservative amino acid substitution of one non-polar amino acid with another at a position that is conserved across species. A mutation in a nearby codon (Arg58Gln) has been reported in association with HCM, supporting the functional importance of this region of the protein. The NHLBI ESP Exome Variant Server reports Val61Met was not observed in approximately 6,000 samples from individuals of European and African American backgrounds, indicating it is not a common benign variant in these populations.With the clinical and molecular information available at this time, we cannot definitively determine if Val61Met is a disease-causing mutation or a rare benign variant. The variant is found in HCM panel(s).